The following is an entry in ClinVar:

NM_032447.5(FBN3):c.448A>G (p.Ile150Val)

Gene: FBN3 (fibrillin 3; minus strand). Cytogenetic location: 19p13.2.
Variant type: single nucleotide variant.
Coding change: c.448A>G on transcript NM_032447.5 (MANE Select); coding-DNA position 448, A replaced by G.
Protein change: p.Ile150Val; replaces isoleucine 150 with valine.
Molecular consequence: missense variant.
Genome position (GRCh38, 1-based): chr19:8,144,970, T>C on the plus strand (A>G on the coding strand, the complement: FBN3 is on the minus strand). VCF-style: chr19-8144970-T-C. GRCh37 (hg19) VCF-style: chr19-8209854-T-C.
Other names: c.448A>G, p.Ile150Val (NM_001321431.2); short protein forms I150V.
Identifiers: ClinVar variation 3035389 (VCV003035389.2), dbSNP rs117724347, ClinGen allele CA403723631.

ClinVar aggregate classification (germline): Uncertain significance (0 of 4 stars; one submission).

Conditions:
FBN3-related disorder. Also called: FBN3-related condition.

Submission:

PreventionGenetics, part of Exact Sciences
Classification: Uncertain significance for FBN3-related condition. Last evaluated: 2023-11-27. Review status: no assertion criteria provided. Collection method: clinical testing. Allele origin: germline.
Comment: The FBN3 c.448A>G variant is predicted to result in the amino acid substitution p.Ile150Val. To our knowledge, this variant has not been reported in the literature or in a large population database, indicating this variant is rare. At this time, the clinical significance of this variant is uncertain due to the absence of conclusive functional and genetic evidence.